The following is an entry in ClinVar:

ClinVar aggregate classification (germline): Likely pathogenic (1 of 4 stars; one submission).

Conditions:
Primary ciliary dyskinesia. Also called: Ciliary dyskinesia. Identifiers: Orphanet 244, MedGen C0008780, MONDO:0016575, HP:0012265.

Submission:

Labcorp Genetics (formerly Invitae), Labcorp
Classification: Likely pathogenic for Primary ciliary dyskinesia. Last evaluated: 2021-04-06. Review status: criteria provided, single submitter. Criteria: Invitae Variant Classification Sherloc (09022015). Collection method: clinical testing. Allele origin: germline.
Comment: In summary, the currently available evidence indicates that the variant is pathogenic, but additional data are needed to prove that conclusively. Therefore, this variant has been classified as Likely Pathogenic. Algorithms developed to predict the effect of sequence changes on RNA splicing suggest that this variant may disrupt the consensus splice site, but this prediction has not been confirmed by published transcriptional studies. This variant has not been reported in the literature in individuals with DNAI1-related conditions. This variant is not present in population databases (ExAC no frequency). This sequence change affects a donor splice site in intron 1 of the DNAI1 gene. It is expected to disrupt RNA splicing. Variants that disrupt the donor or acceptor splice site typically lead to a loss of protein function (PMID: 16199547), and loss-of-function variants in DNAI1 are known to be pathogenic (PMID: 16858015, 29363216).

Literature cited by the submitters: PubMed 16199547; PubMed 16858015; PubMed 29363216.

NM_012144.4(DNAI1):c.48+1G>C

Gene: DNAI1 (dynein axonemal intermediate chain 1; plus strand). Cytogenetic location: 9p13.3.
Variant type: single nucleotide variant.
Coding change: c.48+1G>C on transcript NM_012144.4 (MANE Select); the canonical splice donor site of the intron after coding-DNA position 48, G replaced by C.
Molecular consequence: splice donor variant.
Genome position (GRCh38, 1-based): chr9:34,459,054, G>C. VCF-style: chr9-34459054-G-C. GRCh37 (hg19) VCF-style: chr9-34459052-G-C.
Other names: c.48+1G>C (NM_001281428.2).
Identifiers: ClinVar variation 1502365 (VCV001502365.8), dbSNP rs2132034522, ClinGen allele CA373247933.